The following is an entry in ClinVar:

ClinVar aggregate classification (germline): Benign/Likely benign. Review status: criteria provided, multiple submitters, no conflicts (2 of 4 stars). 5 submissions from 5 submitters: Benign (2); Likely benign (3). Last evaluated 2026-08-01.

Conditions:
Idiopathic generalized epilepsy. Also called: Generalised epilepsy; EIG. Identifiers: MedGen C0270850, MONDO:0005579, OMIM 600669.
Inborn genetic diseases. Identifiers: MedGen C0950123, MeSH D030342.

Allele frequency attached by ClinVar (database versions not stated): gnomAD exomes 0.00029 and 0.00082; ExAC 0.00101; 1000 Genomes Project 0.00200; 1000 Genomes Project 30x 0.00234; gnomAD 0.00319 and 0.00341; TOPMed 0.00326; ESP Exome Variant Server 0.00416.
gnomAD v4.1: 916 of 1,614,146 alleles (0.057%); highest among the groups gnomAD compares: African/African-American, 1.1%; 9 homozygotes.

Submissions (5):

CeGaT Center for Human Genetics Tuebingen
Classification: Likely benign. Last evaluated: 2026-08-01. Review status: criteria provided, single submitter. Criteria: CeGaT Center For Human Genetics Tuebingen Variant Classification Criteria Version 2. Collection method: clinical testing. Allele origin: germline. Affected: yes. Observed: 2 variant alleles.
Comment: RBFOX1: BS1

Labcorp Genetics (formerly Invitae), Labcorp
Classification: Benign for Idiopathic generalized epilepsy. Last evaluated: 2025-12-19. Review status: criteria provided, single submitter. Criteria: Invitae Variant Classification Sherloc (09022015). Collection method: clinical testing. Allele origin: germline.

Ambry Genetics
Classification: Likely benign for Inborn genetic diseases. Last evaluated: 2025-09-28. Review status: criteria provided, single submitter. Criteria: Ambry Variant Classification Scheme 2023. Collection method: clinical testing. Allele origin: germline.

Blueprint Genetics
Classification: Likely benign. Last evaluated: 2024-09-23. Review status: criteria provided, single submitter. Criteria: ACMG Guidelines, 2015. Collection method: clinical testing. Allele origin: germline.

Breakthrough Genomics
Classification: Benign. Review status: criteria provided, single submitter. Criteria: ACMG Guidelines, 2015. Collection method: not provided. Allele origin: germline. Inheritance: Unknown mechanism. Affected: yes.

NM_018723.4(RBFOX1):c.137C>A (p.Pro46His)

Gene: RBFOX1 (RNA binding fox-1 homolog 1; plus strand). Cytogenetic location: 16p13.3.
Variant type: single nucleotide variant.
Coding change: c.137C>A on transcript NM_018723.4 (MANE Select); coding-DNA position 137, C replaced by A.
Protein change: p.Pro46His; replaces proline 46 with histidine.
Molecular consequence: missense variant.
Genome position (GRCh38, 1-based): chr16:7,518,256, C>A. VCF-style: chr16-7518256-C-A. GRCh37 (hg19) VCF-style: chr16-7568258-C-A.
Other names: c.137C>A, p.Pro46His (NM_001142333.2, NM_001142334.2, NM_001364800.2); c.266C>A, p.Pro89His (NM_001308117.1); c.197C>A, p.Pro66His (NM_145891.3, NM_145892.3, NM_145893.3); short protein forms P46H, P66H, P89H.
Identifiers: ClinVar variation 415956 (VCV000415956.19), dbSNP rs113298071, ClinGen allele CA7891329.